The following is an entry in ClinVar:

NM_000368.5(TSC1):c.2103_2106del (p.Gln701fs)

Gene: TSC1 (TSC complex subunit 1; minus strand). Cytogenetic location: 9q34.13.
Variant type: Deletion.
Coding change: c.2103_2106del on transcript NM_000368.5 (MANE Select); coding-DNA positions 2103 to 2106, 4 bases deleted (GTTA; older notation c.2103_2106delGTTA).
Protein change: p.Gln701fs; shifts the reading frame from glutamine 701.
Molecular consequence: frameshift variant.
Genome position (GRCh38, 1-based): chr9:132,903,753-132,903,756, TAAC deleted on the plus strand (GTTA on the coding strand, the reverse complement: TSC1 is on the minus strand); deleting any 4 consecutive bases within chr9:132,903,753-132,903,757 gives the same sequence; the c. name uses the placement nearest the transcript's 3' end. VCF-style (leftmost placement, unchanged base first): chr9-132903752-GTAAC-G. GRCh37 (hg19) VCF-style: chr9-135779139-GTAAC-G.
Other names: c.2100_2103del, p.Gln700fs (NM_001162426.2); c.1950_1953del, p.Gln650fs (NM_001162427.2); c.1740_1743del, p.Gln580fs (NM_001362177.2); short protein forms Q650fs, Q700fs, Q701fs, Q580fs.
Identifiers: ClinVar variation 48897 (VCV000048897.4), dbSNP rs118203638, ClinGen allele CA005986.

ClinVar aggregate classification (germline): Likely pathogenic. Review status: criteria provided, single submitter (1 of 4 stars). 3 submissions from 2 submitters: Likely pathogenic (1). 2 of the submissions do not count toward it. Last evaluated 2022-08-17.

Conditions:
Tuberous sclerosis syndrome (TSC). Also called: Tuberous Sclerosis Complex; Tuberous sclerosis. Identifiers: Orphanet 805, MedGen C0041341, MONDO:0001734.

Submissions (3):

Centre of Medical Genetics, University Hospital Muenster
Classification: Likely pathogenic. Last evaluated: 2022-08-17. Review status: criteria provided, single submitter. Criteria: ACMG Guidelines, 2015. Collection method: clinical testing. Allele origin: unknown. Affected: yes. Observed: 1 variant allele, 1 heterozygote.
Comment: ACMG categories: PVS1,PM2

Tuberous sclerosis database (TSC1)
No classification provided. Condition: TSC. Review status: no classification provided. Criteria: Tuberous Sclerosis Database Assertion Criteria 2015. Collection method: curation. Allele origin: germline. Affected: yes. Not counted in ClinVar's aggregate classification.

Tuberous sclerosis database (TSC1)
No classification provided. Condition: TSC. Review status: flagged submission. Criteria: Tuberous Sclerosis Database Assertion Criteria 2015. Collection method: curation. Allele origin: germline. Affected: yes. Not counted in ClinVar's aggregate classification.
ClinVar note: Reason: This record appears to be redundant with a more recent record from the same submitter.
ClinVar note: Notes: SCV000065931 appears to be redundant with SCV000065933.